The following is an entry in ClinVar:

ClinVar aggregate classification (germline): Likely benign. Review status: criteria provided, multiple submitters, no conflicts (2 of 4 stars). 2 submissions from 2 submitters: Likely benign (2). Last evaluated 2024-12-12.

Conditions:
LAMA2-related muscular dystrophy (LAMA2-RD). Also called: Laminin alpha 2-related dystrophy. Identifiers: MedGen C5679788, MONDO:0100228.

Allele frequency attached by ClinVar (database versions not stated): gnomAD 0.00001 and 0.00002; ExAC 0.00002; gnomAD exomes 0.00002; TOPMed 0.00002.
gnomAD v4.1: 30 of 1,613,668 alleles (0.0019%); highest among the groups gnomAD compares: Admixed American, 0.0083%; no homozygotes.

Submissions (2):

Labcorp Genetics (formerly Invitae), Labcorp
Classification: Likely benign for LAMA2-related muscular dystrophy. Last evaluated: 2024-12-12. Review status: criteria provided, single submitter. Criteria: Invitae Variant Classification Sherloc (09022015). Collection method: clinical testing. Allele origin: germline.

GeneDx
Classification: Likely benign. Last evaluated: 2017-08-16. Review status: criteria provided, single submitter. Criteria: GeneDx Variant Classification (06012015). Collection method: clinical testing. Allele origin: germline. Affected: yes.
Comment: This variant is considered likely benign or benign based on one or more of the following criteria: it is a conservative change, it occurs at a poorly conserved position in the protein, it is predicted to be benign by multiple in silico algorithms, and/or has population frequency not consistent with disease.

NM_000426.4(LAMA2):c.7680C>T (p.Ser2560=)

Gene: LAMA2 (laminin subunit alpha 2; plus strand). Cytogenetic location: 6q22.33.
Variant type: single nucleotide variant.
Coding change: c.7680C>T on transcript NM_000426.4 (MANE Select); coding-DNA position 7680, C replaced by T.
Protein change: p.Ser2560=; no amino-acid change (serine 2560 retained).
Molecular consequence: synonymous variant.
Genome position (GRCh38, 1-based): chr6:129,481,370, C>T. VCF-style: chr6-129481370-C-T. GRCh37 (hg19) VCF-style: chr6-129802515-C-T.
Other names: c.7668C>T, p.Ser2556= (NM_001079823.2).
Identifiers: ClinVar variation 511541 (VCV000511541.10), dbSNP rs750957928, ClinGen allele CA3994635.